The following is an entry in ClinVar:

NM_020041.3(SLC2A9):c.45_50dup (p.Pro16_Leu17dup)

Genes: SLC2A9-AS3 (SLC2A9 antisense RNA 3; plus strand), SLC2A9 (solute carrier family 2 member 9; minus strand). Cytogenetic location: 4p16.1.
Variant type: Duplication.
Coding change: c.45_50dup on transcript NM_020041.3 (MANE Select); coding-DNA positions 45 to 50, 6 bases duplicated (TCCCCT; older notation c.45_50dupTCCCCT).
Protein change: p.Pro16_Leu17dup.
Molecular consequence: inframe insertion. On other transcripts: intron variant (1).
Genome position (GRCh38, 1-based): chr4:10,021,380-10,021,385, AGGGGA duplicated on the plus strand (TCCCCT on the coding strand, the reverse complement: SLC2A9 is on the minus strand); duplicating any 6 consecutive bases within chr4:10,021,380-10,021,386 gives the same sequence; the c. name uses the placement nearest the transcript's 3' end. VCF-style (leftmost placement, unchanged base first): chr4-10021379-G-GAGGGGA. GRCh37 (hg19) VCF-style: chr4-10023003-G-GAGGGGA.
Other names: c.64-2312_64-2307dup (NM_001001290.2); c.45_50dup6 (NM_020041.2).
Identifiers: ClinVar variation 860002 (VCV000860002.8), dbSNP rs776005683, ClinGen allele CA2857366.

ClinVar aggregate classification (germline): Uncertain significance. Review status: criteria provided, multiple submitters, no conflicts (2 of 4 stars). 3 submissions from 3 submitters: Uncertain significance (3). Last evaluated 2026-04-12.

Conditions:
Hypouricemia, renal, 2. Also called: HYPOURICEMIA, RENAL, 2, AUTOSOMAL DOMINANT; HYPOURICEMIA, RENAL, 2, AUTOSOMAL RECESSIVE. Identifiers: MedGen C2677549, MONDO:0012793, OMIM 612076.
SLC2A9-related disorder. Also called: SLC2A9-related condition.

Submissions (3):

PreventionGenetics, part of Exact Sciences
Classification: Uncertain significance for SLC2A9-related condition. Last evaluated: 2026-04-12. Review status: criteria provided, single submitter. Criteria: ACMG Guidelines, 2015. Collection method: clinical testing. Allele origin: germline.
Comment: The SLC2A9 c.45_50dup6 variant is predicted to result in an in-frame duplication (p.Pro16_Leu17dup). To our knowledge, this variant has not been reported in the literature. This variant is reported in 0.015% of alleles in individuals of European (Non-Finnish) descent in gnomAD. At this time, the clinical significance of this variant is uncertain due to the absence of conclusive functional and genetic evidence.

Labcorp Genetics (formerly Invitae), Labcorp
Classification: Uncertain significance. Last evaluated: 2023-04-24. Review status: criteria provided, single submitter. Criteria: Invitae Variant Classification Sherloc (09022015). Collection method: clinical testing. Allele origin: germline.
Comment: In summary, the available evidence is currently insufficient to determine the role of this variant in disease. Therefore, it has been classified as a Variant of Uncertain Significance. Experimental studies and prediction algorithms are not available or were not evaluated, and the functional significance of this variant is currently unknown. ClinVar contains an entry for this variant (Variation ID: 860002). This variant has not been reported in the literature in individuals affected with SLC2A9-related conditions. This variant is present in population databases (rs776005683, gnomAD 0.01%). This variant, c.45_50dup, results in the insertion of 2 amino acid(s) of the SLC2A9 protein (p.Pro16_Leu17dup), but otherwise preserves the integrity of the reading frame.

Fulgent Genetics
Classification: Uncertain significance for Hypouricemia, renal, 2. Last evaluated: 2022-03-03. Review status: criteria provided, single submitter. Criteria: ACMG Guidelines, 2015. Collection method: clinical testing. Allele origin: unknown.